The following is an entry in ClinVar:

NM_001267550.2(TTN):c.76071T>C (p.Arg25357=)

Genes: TTN (titin; minus strand), TTN-AS1 (TTN antisense RNA 1; plus strand). Cytogenetic location: 2q31.2.
Variant type: single nucleotide variant.
Coding change: c.76071T>C on transcript NM_001267550.2 (MANE Select); coding-DNA position 76071, T replaced by C.
Protein change: p.Arg25357=; no amino-acid change (arginine 25357 retained).
Molecular consequence: synonymous variant.
Genome position (GRCh38, 1-based): chr2:178,570,061, A>G on the plus strand (T>C on the coding strand, the complement: TTN is on the minus strand). VCF-style: chr2-178570061-A-G. GRCh37 (hg19) VCF-style: chr2-179434788-A-G.
Other names: c.71148T>C, p.Arg23716= (NM_001256850.1); c.48876T>C, p.Arg16292= (NM_003319.4); c.68367T>C, p.Arg22789= (NM_133378.4); c.49251T>C, p.Arg16417= (NM_133432.3); c.49452T>C, p.Arg16484= (NM_133437.4).
Identifiers: ClinVar variation 2202205 (VCV002202205.6), dbSNP rs1474978344, ClinGen allele CA430254578.

ClinVar aggregate classification (germline): Likely benign. Review status: criteria provided, single submitter (1 of 4 stars). 2 submissions from 2 submitters: Likely benign (1). 1 of the submissions does not count toward it. Last evaluated 2025-09-08.

Conditions:
TTN-related disorder. Also called: TTN-related disorders; TTN-related condition; TTN-related disease.
Dilated cardiomyopathy 1G (CMD1G). Identifiers: Orphanet 154, MedGen C1858763, MONDO:0011400, OMIM 604145.
Autosomal recessive limb-girdle muscular dystrophy type 2J (LGMDR10). Also called: Limb-girdle muscular dystrophy, type 2J; MUSCULAR DYSTROPHY, LIMB-GIRDLE, AUTOSOMAL RECESSIVE 10. Identifiers: Orphanet 140922, MedGen C1837342, MONDO:0012127, OMIM 608807.

Allele frequency attached by ClinVar (database versions not stated): gnomAD exomes below 0.00001; gnomAD 0.00001; TOPMed 0.00002.
gnomAD v4.1: 4 of 1,613,324 alleles (0.00025%); highest among the groups gnomAD compares: Admixed American, 0.0067%; no homozygotes.

Submissions (2):

Labcorp Genetics (formerly Invitae), Labcorp
Classification: Likely benign for Dilated cardiomyopathy 1G; Autosomal recessive limb-girdle muscular dystrophy type 2J. Last evaluated: 2025-09-08. Review status: criteria provided, single submitter. Criteria: Invitae Variant Classification Sherloc (09022015). Collection method: clinical testing. Allele origin: germline.

PreventionGenetics, part of Exact Sciences
Classification: Likely benign for TTN-related condition. Last evaluated: 2020-10-28. Review status: no assertion criteria provided. Collection method: clinical testing. Allele origin: germline. Not counted in ClinVar's aggregate classification.
Comment: This variant is classified as likely benign based on ACMG/AMP sequence variant interpretation guidelines (Richards et al. 2015 PMID: 25741868, with internal and published modifications).